The following is an entry in ClinVar:

ClinVar aggregate classification (germline): Pathogenic (1 of 4 stars; one submission).

Submission:

GeneDx
Classification: Pathogenic. Last evaluated: 2018-06-26. Review status: criteria provided, single submitter. Criteria: GeneDx Variant Classification (06012015). Collection method: clinical testing. Allele origin: germline. Affected: yes.
Comment: The c.1100_1101insC variant in the AMER1 gene has not been reported previously as a pathogenic variant nor as a benign variant, to our knowledge. The c.1100_1101insC variant causes a frameshift starting with codon Glycine 368, changes this amino acid to an Arginine residue, and creates a premature Stop codon at position 10 of the new reading frame, denoted p.Gly368ArgfsX10. This variant is predicted to cause loss of normal protein function through protein truncation as the last 768 amino acids of the protein are lost and replaced with 9 incorrect amino acids. The c.1100_1101insC variant is not observed in large population cohorts (Lek et al., 2016). We interpret c.1100_1101insC as a pathogenic variant.

NM_152424.4(AMER1):c.1100_1101insC (p.Gly368fs)

Gene: AMER1 (APC membrane recruitment protein 1; minus strand). Cytogenetic location: Xq11.2.
Variant type: Insertion.
Coding change: c.1100_1101insC on transcript NM_152424.4 (MANE Select); coding-DNA positions 1100 to 1101, C inserted.
Protein change: p.Gly368fs; shifts the reading frame from glycine 368.
Molecular consequence: frameshift variant.
Genome position: GRCh38 VCF-style: chrX-64192186-T-TG. GRCh37 (hg19) VCF-style: chrX-63412066-T-TG.
Other names: short protein forms G368fs.
Identifiers: ClinVar variation 817104 (VCV000817104.1), dbSNP rs1602067874, ClinGen allele CA915950740.
Genomic context (GRCh38, chrX:64,192,186, plus strand): 5'-CTCTTCTTCCTCTTCTTCCTCCTCGTCATCATCATCTGGCAAGGCCATCTCCTCCCCACC[T>TG]CCTTGGTAGGTCACCAGGCAGGAACTTCGCTTGGTCCCATCTCGGTTTGCTCTCTGGCCC-3'